The following is an entry in ClinVar:

NM_024817.3(THSD4):c.1943G>C (p.Ser648Thr)

Gene: THSD4 (thrombospondin type 1 domain containing 4; plus strand). Cytogenetic location: 15q23.
Variant type: single nucleotide variant.
Coding change: c.1943G>C on transcript NM_024817.3 (MANE Select); coding-DNA position 1943, G replaced by C.
Protein change: p.Ser648Thr; replaces serine 648 with threonine.
Molecular consequence: missense variant.
Genome position (GRCh38, 1-based): chr15:71,745,142, G>C. VCF-style: chr15-71745142-G-C. GRCh37 (hg19) VCF-style: chr15-72037481-G-C.
Other names: c.863G>C, p.Ser288Thr (NM_001286429.2); c.1943G>C, p.Ser648Thr (NM_001394532.1); short protein forms S288T, S648T.
Identifiers: ClinVar variation 2498618 (VCV002498618.28), dbSNP rs200113852, ClinGen allele CA7639735.
Genomic context (GRCh38, chr15:71,745,142, plus strand): 5'-TCAGACATTCTCCTGTTGTTGCAGGATCGCAGTACCCTATTTTCCGCTGTGTGCACAGAA[G>C]CACTCATGAAGAGGCTCCTGAGAGTTACTGTGACTCCAGCATGAAGCCGACCCCCGAGGA-3'
Protein context (NP_079093.2, residues 638-658): QYPIFRCVHR[Ser648Thr]THEEAPESYC

ClinVar aggregate classification (germline): Benign (1 of 4 stars; one submission).

Allele frequency attached by ClinVar (database versions not stated): gnomAD exomes 0.00030; gnomAD 0.00033; ExAC 0.00036; TOPMed 0.00039; 1000 Genomes Project 0.00040; ESP Exome Variant Server 0.00041; 1000 Genomes Project 30x 0.00047.
gnomAD v4.1: 480 of 1,612,408 alleles (0.03%); highest among the groups gnomAD compares: Middle Eastern, 0.042%; no homozygotes.

Submission:

CeGaT Center for Human Genetics Tuebingen
Classification: Benign. Last evaluated: 2024-04-01. Review status: criteria provided, single submitter. Criteria: CeGaT Center For Human Genetics Tuebingen Variant Classification Criteria Version 2. Collection method: clinical testing. Allele origin: germline. Affected: yes. Observed: 2 variant alleles.
Comment: THSD4: BP4, BS1, BS2